The following is an entry in ClinVar:

ClinVar aggregate classification (germline): Uncertain significance (1 of 4 stars; one submission).

Conditions:
Bethlem myopathy 1A. Also called: MYOPATHY, BENIGN CONGENITAL, WITH CONTRACTURES; Bethlem myopathy 1; Bethlem Muscular Dystrophy. Identifiers: Orphanet 610, MedGen CN029274, MONDO:0024530, OMIM 158810.

Submission:

Labcorp Genetics (formerly Invitae), Labcorp
Classification: Uncertain significance for Bethlem myopathy 1A. Last evaluated: 2024-08-28. Review status: criteria provided, single submitter. Criteria: Invitae Variant Classification Sherloc (09022015). Collection method: clinical testing. Allele origin: germline.
Comment: This sequence change falls in intron 6 of the COL6A3 gene. It does not directly change the encoded amino acid sequence of the COL6A3 protein. This variant is not present in population databases (gnomAD no frequency). This variant has not been reported in the literature in individuals affected with COL6A3-related conditions. This variant is also known as p.Asp837Valfs*22. In summary, the available evidence is currently insufficient to determine the role of this variant in disease. Therefore, it has been classified as a Variant of Uncertain Significance.

NM_004369.4(COL6A3):c.2498-36_2507dup

Gene: COL6A3 (collagen type VI alpha 3 chain; minus strand). Cytogenetic location: 2q37.3.
Variant type: Duplication.
Coding change: c.2498-36_2507dup on transcript NM_004369.4 (MANE Select); 36 bases into the intron before coding-DNA position 2498 through coding-DNA position 2507, 46 bases duplicated.
Molecular consequence: splice acceptor variant.
Genome position (GRCh38, 1-based): chr2:237,377,335-237,377,380, 46 bases duplicated. GRCh37 (hg19): chr2:238,285,978-238,286,023.
Other names: c.677-36_686dup (NM_057166.5); c.1880-36_1889dup (NM_057167.4, NM_057165.5); c.1277-36_1286dup (NM_057164.5).
Identifiers: ClinVar variation 3703616 (VCV003703616.2).